The following is an entry in ClinVar:

NM_002941.4(ROBO1):c.1207A>G (p.Ser403Gly)

Gene: ROBO1 (roundabout guidance receptor 1; minus strand). Cytogenetic location: 3p12.3.
Variant type: single nucleotide variant.
Coding change: c.1207A>G on transcript NM_002941.4 (MANE Select); coding-DNA position 1207, A replaced by G.
Protein change: p.Ser403Gly; replaces serine 403 with glycine.
Molecular consequence: missense variant.
Genome position (GRCh38, 1-based): chr3:78,685,881, T>C on the plus strand (A>G on the coding strand, the complement: ROBO1 is on the minus strand). VCF-style: chr3-78685881-T-C. GRCh37 (hg19) VCF-style: chr3-78735031-T-C.
Other names: c.1099A>G, p.Ser367Gly (NM_001145845.2, NM_133631.4); short protein forms S367G, S403G.
Identifiers: ClinVar variation 5009505 (VCV005009505.1).

ClinVar aggregate classification (germline): Uncertain significance (1 of 4 stars; one submission).

gnomAD v4.1: 5 of 1,605,106 alleles (0.00031%); highest among the groups gnomAD compares: Non-Finnish European, 0.00043%; no homozygotes.

Submission:

GeneDx
Classification: Uncertain significance. Last evaluated: 2026-03-19. Review status: criteria provided, single submitter. Criteria: GeneDx Variant Classification Process June 2021. Collection method: clinical testing. Allele origin: germline.
Comment: Not observed at significant frequency in large population cohorts (gnomAD); In silico analysis suggests that this missense variant does not alter protein structure/function; Has not been previously published as pathogenic or benign to our knowledge